The following is an entry in ClinVar:

ClinVar aggregate classification (germline): Likely benign. Review status: criteria provided, single submitter (1 of 4 stars). 2 submissions from 2 submitters: Likely benign (1). 1 of the submissions does not count toward it. Last evaluated 2022-08-19.

Conditions:
HADHA-related disorder. Also called: HADHA-related condition; HADHA-related disorders.
Mitochondrial trifunctional protein deficiency. Identifiers: Orphanet 746, MedGen C1969443, MONDO:0012172.
Long chain 3-hydroxyacyl-CoA dehydrogenase deficiency. Also called: Deficiency of long-chain 3-hydroxyacyl-coenzyme A dehydrogenase; LCHAD Deficiency. Identifiers: Orphanet 5, MedGen C3711645, MONDO:0012173, OMIM 609016.

Allele frequency attached by ClinVar (database versions not stated): TOPMed below 0.00001; gnomAD 0.00001; gnomAD exomes 0.00001; ExAC 0.00002.
gnomAD v4.1: 8 of 1,610,428 alleles (0.0005%); highest among the groups gnomAD compares: East Asian, 0.018%; no homozygotes.

Submissions (2):

Labcorp Genetics (formerly Invitae), Labcorp
Classification: Likely benign for Mitochondrial trifunctional protein deficiency; Long chain 3-hydroxyacyl-CoA dehydrogenase deficiency. Last evaluated: 2022-08-19. Review status: criteria provided, single submitter. Criteria: Invitae Variant Classification Sherloc (09022015). Collection method: clinical testing. Allele origin: germline.

PreventionGenetics, part of Exact Sciences
Classification: Likely benign for HADHA-related condition. Last evaluated: 2023-10-16. Review status: no assertion criteria provided. Collection method: clinical testing. Allele origin: germline. Not counted in ClinVar's aggregate classification.
Comment: This variant is classified as likely benign based on ACMG/AMP sequence variant interpretation guidelines (Richards et al. 2015 PMID: 25741868, with internal and published modifications).

NM_000182.5(HADHA):c.790T>C (p.Leu264=)

Gene: HADHA (hydroxyacyl-CoA dehydrogenase trifunctional multienzyme complex subunit alpha; minus strand). Cytogenetic location: 2p23.3.
Variant type: single nucleotide variant.
Coding change: c.790T>C on transcript NM_000182.5 (MANE Select); coding-DNA position 790, T replaced by C.
Protein change: p.Leu264=; no amino-acid change (leucine 264 retained).
Molecular consequence: synonymous variant.
Genome position (GRCh38, 1-based): chr2:26,215,062, A>G on the plus strand (T>C on the coding strand, the complement: HADHA is on the minus strand). VCF-style: chr2-26215062-A-G. GRCh37 (hg19) VCF-style: chr2-26437931-A-G.
Other names: c.790T>C (NM_000182.4).
Identifiers: ClinVar variation 2087965 (VCV002087965.6), dbSNP rs764834749, ClinGen allele CA1559788.